The following is an entry in ClinVar:

NM_144631.6(ZNF513):c.187A>G (p.Met63Val)

Gene: ZNF513 (zinc finger protein 513; minus strand). Cytogenetic location: 2p23.3.
Variant type: single nucleotide variant.
Coding change: c.187A>G on transcript NM_144631.6 (MANE Select); coding-DNA position 187, A replaced by G.
Protein change: p.Met63Val; replaces methionine 63 with valine.
Molecular consequence: missense variant. On other transcripts: initiator codon variant (1).
Genome position (GRCh38, 1-based): chr2:27,380,117, T>C on the plus strand (A>G on the coding strand, the complement: ZNF513 is on the minus strand). VCF-style: chr2-27380117-T-C. GRCh37 (hg19) VCF-style: chr2-27602984-T-C.
Other names: c.1A>G, p.Met1Val (NM_001201459.2); short protein forms M1V, M63V.
Identifiers: ClinVar variation 4983510 (VCV004983510.1).

ClinVar aggregate classification (germline): Uncertain significance (1 of 4 stars; one submission).

Conditions:
ZNF513-related disorder. Also called: ZNF513-related condition.

Submission:

PreventionGenetics, part of Exact Sciences
Classification: Uncertain significance for ZNF513-related condition. Last evaluated: 2025-02-28. Review status: criteria provided, single submitter. Criteria: ACMG Guidelines, 2015. Collection method: clinical testing. Allele origin: germline.
Comment: The ZNF513 c.1A>G variant is predicted to disrupt the translation initiation site (Start Loss). To our knowledge, this variant has not been reported in the literature. This variant is reported in 0.0035% of alleles in individuals of European (Non-Finnish) descent in gnomAD. This variant is interpreted as no interpretation set.